The following is an entry in ClinVar:

ClinVar aggregate classification (germline): Uncertain significance (1 of 4 stars; one submission).

Conditions:
Pitt-Hopkins-like syndrome 2 (PTHSL2). Identifiers: Orphanet 221150, Orphanet 600663, MedGen C3280479, MONDO:0013690, OMIM 614325.

Allele frequency attached by ClinVar (database versions not stated): gnomAD exomes below 0.00001; TOPMed 0.00001.
gnomAD v4.1: 1 of 1,614,004 alleles (0.000062%); highest among the groups gnomAD compares: Non-Finnish European, 0.000085%; no homozygotes.

Submission:

Labcorp Genetics (formerly Invitae), Labcorp
Classification: Uncertain significance for Pitt-Hopkins-like syndrome 2. Last evaluated: 2020-11-13. Review status: criteria provided, single submitter. Criteria: Invitae Variant Classification Sherloc (09022015). Collection method: clinical testing. Allele origin: germline.
Comment: This sequence change creates a premature translational stop signal (p.Arg1509*) in the NRXN1 gene. While this is not anticipated to result in nonsense mediated decay, it is expected to disrupt the last 39 amino acid(s) of the NRXN1 protein. This variant is not present in population databases (ExAC no frequency). This variant has not been reported in the literature in individuals with NRXN1-related conditions. Experimental studies and prediction algorithms are not available or were not evaluated, and the functional significance of this variant is currently unknown. In summary, the available evidence is currently insufficient to determine the role of this variant in disease. Therefore, it has been classified as a Variant of Uncertain Significance.

NM_001330078.2(NRXN1):c.4405C>T (p.Arg1469Ter)

Gene: NRXN1 (neurexin 1; minus strand). Cytogenetic location: 2p16.3.
Variant type: single nucleotide variant.
Coding change: c.4405C>T on transcript NM_001330078.2 (MANE Select); coding-DNA position 4405, C replaced by T.
Protein change: p.Arg1469Ter; replaces arginine 1469 with a stop codon.
Molecular consequence: nonsense.
Genome position (GRCh38, 1-based): chr2:49,922,063, G>A on the plus strand (C>T on the coding strand, the complement: NRXN1 is on the minus strand). VCF-style: chr2-49922063-G-A. GRCh37 (hg19) VCF-style: chr2-50149201-G-A.
Other names: c.4525C>T, p.Arg1509Ter (NM_001135659.3); c.310C>T, p.Arg104Ter (NM_001320156.4); c.301C>T, p.Arg101Ter (NM_001320157.4); c.4381C>T, p.Arg1461Ter (NM_001330077.2); c.4372C>T, p.Arg1458Ter (NM_001330082.2); c.4240C>T, p.Arg1414Ter (NM_001330083.2); c.4339C>T, p.Arg1447Ter (NM_001330084.2); c.1201C>T, p.Arg401Ter (NM_001330097.2); and 12 more; short protein forms R1402*, R1422*, R1458*, R1460*, R434*, R1439*, R1447*, R1462*.
Identifiers: ClinVar variation 1464214 (VCV001464214.8), dbSNP rs1331703447, ClinGen allele CA346818424.